The following is an entry in ClinVar:

ClinVar aggregate classification (germline): Benign/Likely benign. Review status: criteria provided, multiple submitters, no conflicts (2 of 4 stars). 4 submissions from 3 submitters: Benign (2); Likely benign (2). Last evaluated 2021-05-11.

Conditions:
Congenital myasthenic syndrome (CMS). Also called: Congenital Myasthenic Syndromes. Identifiers: Orphanet 590, MedGen C0751882, MeSH D020294, MONDO:0018940.
Lethal multiple pterygium syndrome (LMPS). Identifiers: Orphanet 33108, MedGen C1854678, MONDO:0009668, OMIM 253290.

Allele frequency attached by ClinVar (database versions not stated): ExAC 0.02497; TOPMed 0.02603; 1000 Genomes Project 30x 0.03748; 1000 Genomes Project 0.04133.
gnomAD v4.1: 11,958 of 453,984 alleles (2.6%); highest among the groups gnomAD compares: East Asian, 8.9%; 282 homozygotes.

Submissions (4):

GeneDx
Classification: Benign. Last evaluated: 2021-05-11. Review status: criteria provided, single submitter. Criteria: GeneDx Variant Classification Process June 2021. Collection method: clinical testing. Allele origin: germline. Affected: yes.

Illumina Laboratory Services, Illumina
Classification: Benign for Lethal multiple pterygium syndrome. Last evaluated: 2018-01-13. Review status: criteria provided, single submitter. Criteria: ICSL Variant Classification Criteria 13 December 2019. Collection method: clinical testing. Allele origin: germline.
Comment: This variant was observed in the ICSL laboratory as part of a predisposition screen in an ostensibly healthy population. It had not been previously curated by ICSL or reported in the Human Gene Mutation Database (HGMD: prior to June 1st, 2018), and was therefore a candidate for classification through an automated scoring system. Utilizing variant allele frequency, disease prevalence and penetrance estimates, and inheritance mode, an automated score was calculated to assess if this variant is too frequent to cause the disease. Based on the score and internal cut-off values, a variant classified as benign is not then subjected to further curation. The score for this variant resulted in a classification of benign for this disease.

Illumina Laboratory Services, Illumina
Classification: Likely benign for Congenital myasthenic syndrome. Last evaluated: 2018-01-13. Review status: criteria provided, single submitter. Criteria: ICSL Variant Classification Criteria 13 December 2019. Collection method: clinical testing. Allele origin: germline.
Comment: This variant was observed in the ICSL laboratory as part of a predisposition screen in an ostensibly healthy population. It had not been previously curated by ICSL or reported in the Human Gene Mutation Database (HGMD: prior to June 1st, 2018), and was therefore a candidate for classification through an automated scoring system. Utilizing variant allele frequency, disease prevalence and penetrance estimates, and inheritance mode, an automated score was calculated to assess if this variant is too frequent to cause the disease. Based on the score and internal cut-off values, a variant classified as likely benign is not then subjected to further curation. The score for this variant resulted in a classification of likely benign for this disease.

Breakthrough Genomics
Classification: Likely benign. Review status: criteria provided, single submitter. Criteria: ACMG Guidelines, 2015. Collection method: not provided. Allele origin: germline. Inheritance: Autosomal recessive inheritance. Affected: yes.

NM_000751.3(CHRND):c.*547G>C

Gene: CHRND (cholinergic receptor nicotinic delta subunit; plus strand). Cytogenetic location: 2q37.1.
Variant type: single nucleotide variant.
Coding change: c.*547G>C on transcript NM_000751.3 (MANE Select); 547 bases downstream of the stop codon, G replaced by C.
Molecular consequence: 3 prime UTR variant.
Genome position (GRCh38, 1-based): chr2:232,535,859, G>C. VCF-style: chr2-232535859-G-C. GRCh37 (hg19) VCF-style: chr2-233400569-G-C.
Other names: c.*547G>C (NM_001256657.2, NM_001311195.2, NM_001311196.2).
Identifiers: ClinVar variation 334985 (VCV000334985.9), dbSNP rs2343841, ClinGen allele CA2168435.